The following is an entry in ClinVar:

NM_001844.5(COL2A1):c.1528-10G>A

Gene: COL2A1 (collagen type II alpha 1 chain; minus strand). Cytogenetic location: 12q13.11.
Variant type: single nucleotide variant.
Coding change: c.1528-10G>A on transcript NM_001844.5 (MANE Select); 10 bases into the intron before coding-DNA position 1528, G replaced by A.
Molecular consequence: intron variant.
Genome position (GRCh38, 1-based): chr12:47,985,975, C>T on the plus strand (G>A on the coding strand, the complement: COL2A1 is on the minus strand). VCF-style: chr12-47985975-C-T. GRCh37 (hg19) VCF-style: chr12-48379758-C-T.
Other names: c.1321-10G>A (NM_033150.3).
Identifiers: ClinVar variation 1310516 (VCV001310516.8), dbSNP rs1939380163, ClinGen allele CA2034456304.
Genomic context (GRCh38, chr12:47,985,975, plus strand): 5'-GGGACCTGCCAGACCATCTTGACCTGGGAAACCGCGGTTGCCGGGAGCACCCTAAGGAGC[C>T]ACAGGGAGGAGAGGCAGTGAGTGAGAACAGCCCCAACCCAGCCAGGCTCCAGTGGGTCCA-3'

ClinVar aggregate classification (germline): Uncertain significance. Review status: criteria provided, multiple submitters, no conflicts (2 of 4 stars). 2 submissions from 2 submitters: Uncertain significance (2). Last evaluated 2023-04-22.

Allele frequency attached by ClinVar (database versions not stated): TOPMed below 0.00001.

Submissions (2):

Labcorp Genetics (formerly Invitae), Labcorp
Classification: Uncertain significance. Last evaluated: 2023-04-22. Review status: criteria provided, single submitter. Criteria: Invitae Variant Classification Sherloc (09022015). Collection method: clinical testing. Allele origin: germline.
Comment: This sequence change falls in intron 23 of the COL2A1 gene. It does not directly change the encoded amino acid sequence of the COL2A1 protein. This variant is not present in population databases (gnomAD no frequency). This variant has been observed in individual(s) with clinical features of Stickler syndrome (Invitae). ClinVar contains an entry for this variant (Variation ID: 1310516). Algorithms developed to predict the effect of sequence changes on RNA splicing suggest that this variant may disrupt the consensus splice site. In summary, the available evidence is currently insufficient to determine the role of this variant in disease. Therefore, it has been classified as a Variant of Uncertain Significance.

GeneDx
Classification: Uncertain significance. Last evaluated: 2022-01-28. Review status: criteria provided, single submitter. Criteria: GeneDx Variant Classification Process June 2021. Collection method: clinical testing. Allele origin: germline. Affected: yes.
Comment: Has not been previously published as pathogenic or benign to our knowledge; Not observed in large population cohorts (gnomAD); In silico analysis supports a deleterious effect on splicing